The following is an entry in ClinVar:

NM_006158.5(NEFL):c.67C>G (p.Arg23Gly)

Gene: NEFL (neurofilament light chain; minus strand). Cytogenetic location: 8p21.2.
Variant type: single nucleotide variant.
Coding change: c.67C>G on transcript NM_006158.5 (MANE Select); coding-DNA position 67, C replaced by G.
Protein change: p.Arg23Gly; replaces arginine 23 with glycine.
Molecular consequence: missense variant.
Genome position (GRCh38, 1-based): chr8:24,956,449, G>C on the plus strand (C>G on the coding strand, the complement: NEFL is on the minus strand). VCF-style: chr8-24956449-G-C. GRCh37 (hg19) VCF-style: chr8-24813963-G-C.
Other names: short protein forms R23G.
Identifiers: ClinVar variation 569562 (VCV000569562.6), dbSNP rs772092001, ClinGen allele CA370624140.

ClinVar aggregate classification (germline): Uncertain significance. Review status: criteria provided, multiple submitters, no conflicts (2 of 4 stars). 2 submissions from 2 submitters: Uncertain significance (2). Last evaluated 2025-07-19.

Conditions:
Inborn genetic diseases. Identifiers: MedGen C0950123, MeSH D030342.
Charcot-Marie-Tooth disease type 2E (CMT2E). Also called: CHARCOT-MARIE-TOOTH DISEASE, AXONAL, TYPE 2E; CHARCOT-MARIE-TOOTH NEUROPATHY, TYPE 2E. Identifiers: Orphanet 99939, MedGen C1843225, MONDO:0011894, OMIM 607684.

Allele frequency attached by ClinVar (database versions not stated): TOPMed 0.00001.

Submissions (2):

Labcorp Genetics (formerly Invitae), Labcorp
Classification: Uncertain significance for Charcot-Marie-Tooth disease type 2E. Last evaluated: 2025-07-19. Review status: criteria provided, single submitter. Criteria: Invitae Variant Classification Sherloc (09022015). Collection method: clinical testing. Allele origin: germline.
Comment: This sequence change replaces arginine, which is basic and polar, with glycine, which is neutral and non-polar, at codon 23 of the NEFL protein (p.Arg23Gly). This variant is present in population databases (no rsID available, gnomAD 0.003%). This missense change has been observed in individual(s) with Charcot-Marie-Tooth disease (PMID: 30373780). ClinVar contains an entry for this variant (Variation ID: 569562). Invitae Evidence Modeling of protein sequence and biophysical properties (such as structural, functional, and spatial information, amino acid conservation, physicochemical variation, residue mobility, and thermodynamic stability) has been performed for this missense variant. However, the output from this modeling did not meet the statistical confidence thresholds required to predict the impact of this variant on NEFL protein function. In summary, the available evidence is currently insufficient to determine the role of this variant in disease. Therefore, it has been classified as a Variant of Uncertain Significance.

Ambry Genetics
Classification: Uncertain significance for Inborn genetic diseases. Last evaluated: 2020-09-15. Review status: criteria provided, single submitter. Criteria: Ambry Variant Classification Scheme 2023. Collection method: clinical testing. Allele origin: germline.
Comment: The p.R23G variant (also known as c.67C>G), located in coding exon 1 of the NEFL gene, results from a C to G substitution at nucleotide position 67. The arginine at codon 23 is replaced by glycine, an amino acid with dissimilar properties. This amino acid position is highly conserved in available vertebrate species. Functional analysis was not performed on any identified alteration. (Bacquet J et al. BMJ Open, 2018 10;8:e021632). In addition, the in silico prediction for this alteration is inconclusive. Since supporting evidence is limited at this time, the clinical significance of this alteration remains unclear.

Literature cited by the submitters: PubMed 30373780 (cited by Labcorp Genetics (formerly Invitae), Labcorp and Ambry Genetics).